The following is an entry in ClinVar:

ClinVar aggregate classification (germline): Uncertain significance (1 of 4 stars; one submission).

Conditions:
LAMA2-related muscular dystrophy (LAMA2-RD). Also called: Laminin alpha 2-related dystrophy. Identifiers: MedGen C5679788, MONDO:0100228.

gnomAD v4.1: 1 of 1,614,086 alleles (0.000062%); highest among the groups gnomAD compares: Non-Finnish European, 0.000085%; no homozygotes.

Submission:

Labcorp Genetics (formerly Invitae), Labcorp
Classification: Uncertain significance for LAMA2-related muscular dystrophy. Last evaluated: 2022-09-23. Review status: criteria provided, single submitter. Criteria: Invitae Variant Classification Sherloc (09022015). Collection method: clinical testing. Allele origin: germline.
Comment: In summary, the available evidence is currently insufficient to determine the role of this variant in disease. Therefore, it has been classified as a Variant of Uncertain Significance. Advanced modeling of protein sequence and biophysical properties (such as structural, functional, and spatial information, amino acid conservation, physicochemical variation, residue mobility, and thermodynamic stability) has been performed at Invitae for this missense variant, however the output from this modeling did not meet the statistical confidence thresholds required to predict the impact of this variant on LAMA2 protein function. This variant has not been reported in the literature in individuals affected with LAMA2-related conditions. This variant is present in population databases (no rsID available, gnomAD 0.0009%). This sequence change replaces alanine, which is neutral and non-polar, with proline, which is neutral and non-polar, at codon 3030 of the LAMA2 protein (p.Ala3030Pro).

NM_000426.4(LAMA2):c.9088G>C (p.Ala3030Pro)

Gene: LAMA2 (laminin subunit alpha 2; plus strand). Cytogenetic location: 6q22.33.
Variant type: single nucleotide variant.
Coding change: c.9088G>C on transcript NM_000426.4 (MANE Select); coding-DNA position 9088, G replaced by C.
Protein change: p.Ala3030Pro; replaces alanine 3030 with proline.
Molecular consequence: missense variant.
Genome position (GRCh38, 1-based): chr6:129,514,472, G>C. VCF-style: chr6-129514472-G-C. GRCh37 (hg19) VCF-style: chr6-129835617-G-C.
Other names: c.9076G>C, p.Ala3026Pro (NM_001079823.2); short protein forms A3026P, A3030P.
Identifiers: ClinVar variation 1933157 (VCV001933157.5), dbSNP rs1397949384, ClinGen allele CA365636905.